The following is an entry in ClinVar:

ClinVar aggregate classification (germline): Likely pathogenic (1 of 4 stars; one submission).

Conditions:
Autosomal recessive nonsyndromic hearing loss 28. Identifiers: Orphanet 90636, MedGen C1853276, MONDO:0012355, OMIM 609823.

Submission:

Juno Genomics, Hangzhou Juno Genomics, Inc
Classification: Likely pathogenic for Autosomal recessive nonsyndromic hearing loss 28. Review status: criteria provided, single submitter. Criteria: ACMG Guidelines, 2015. Collection method: clinical testing. Allele origin: germline.
Comment: Absent from controls (or at extremely low frequency if recessive) in Genome Aggregation Database.;Null variant in a gene where loss of function (LOF) is a known mechanism of disease.

NM_001039141.3(TRIOBP):c.4873G>T (p.Glu1625Ter)

Gene: TRIOBP (TRIO and F-actin binding protein; plus strand). Cytogenetic location: 22q13.1.
Variant type: single nucleotide variant.
Coding change: c.4873G>T on transcript NM_001039141.3 (MANE Select); coding-DNA position 4873, G replaced by T.
Protein change: p.Glu1625Ter; replaces glutamic acid 1625 with a stop codon.
Molecular consequence: nonsense.
Genome position (GRCh38, 1-based): chr22:37,735,209, G>T. VCF-style: chr22-37735209-G-T. GRCh37 (hg19) VCF-style: chr22-38131216-G-T.
Other names: short protein forms E1625*.
Identifiers: ClinVar variation 5019082 (VCV005019082.2).